The following is an entry in ClinVar:

ClinVar aggregate classification (germline): Uncertain significance. Review status: criteria provided, multiple submitters, no conflicts (2 of 4 stars). 2 submissions from 2 submitters: Uncertain significance (2). Last evaluated 2025-03-25.

Conditions:
Cardiovascular phenotype. Identifiers: MedGen CN230736.

Allele frequency attached by ClinVar (database versions not stated): TOPMed below 0.00001; gnomAD 0.00001.
gnomAD v4.1: 1 of 1,614,072 alleles (0.000062%); highest among the groups gnomAD compares: African/African-American, 0.0013%; no homozygotes.

Submissions (2):

Ambry Genetics
Classification: Uncertain significance for Cardiovascular phenotype. Last evaluated: 2025-03-25. Review status: criteria provided, single submitter. Criteria: Ambry Variant Classification Scheme 2023. Collection method: clinical testing. Allele origin: germline.

GeneDx
Classification: Uncertain significance. Last evaluated: 2022-08-16. Review status: criteria provided, single submitter. Criteria: GeneDx Variant Classification Process June 2021. Collection method: clinical testing. Allele origin: germline. Affected: yes.
Comment: Not observed at significant frequency in large population cohorts (gnomAD); In silico analysis supports that this missense variant has a deleterious effect on protein structure/function; Has not been previously published as pathogenic or benign to our knowledge

NM_001037.5(SCN1B):c.343C>T (p.His115Tyr)

Gene: SCN1B (sodium voltage-gated channel beta subunit 1; plus strand). Cytogenetic location: 19q13.11.
Variant type: single nucleotide variant.
Coding change: c.343C>T on transcript NM_001037.5 (MANE Select); coding-DNA position 343, C replaced by T.
Protein change: p.His115Tyr; replaces histidine 115 with tyrosine.
Molecular consequence: missense variant.
Genome position (GRCh38, 1-based): chr19:35,033,634, C>T. VCF-style: chr19-35033634-C-T. GRCh37 (hg19) VCF-style: chr19-35524538-C-T.
Other names: c.244C>T, p.His82Tyr (NM_001321605.2); c.343C>T, p.His115Tyr (NM_199037.5); short protein forms H115Y, H82Y.
Identifiers: ClinVar variation 2430401 (VCV002430401.2), dbSNP rs2064228740, ClinGen allele CA405328826.